The following is an entry in ClinVar:

ClinVar aggregate classification (germline): Pathogenic/Likely pathogenic. Review status: criteria provided, multiple submitters, no conflicts (2 of 4 stars). 6 submissions from 3 submitters: Pathogenic (1); Likely pathogenic (1). 4 of the submissions do not count toward it. Last evaluated 2024-02-29.

Conditions:
Multiple epiphyseal dysplasia type 4 (EDM4). Also called: MULTIPLE EPIPHYSEAL DYSPLASIA WITH BILAYERED PATELLAE; MULTIPLE EPIPHYSEAL DYSPLASIA WITH CLUBFOOT; MULTIPLE EPIPHYSEAL DYSPLASIA, AUTOSOMAL RECESSIVE; Multiple Epiphyseal Dysplasia, Recessive; SLC26A2-Related Multiple Epiphyseal Dysplasia. Identifiers: Orphanet 93307, MedGen C1847593, MONDO:0009189, OMIM 226900.
Diastrophic dysplasia (DTD). Also called: Diastrophic dwarfism. Identifiers: Orphanet 628, MedGen C0220726, MONDO:0009107, OMIM 222600.
Achondrogenesis, type IB (ACG1B). Also called: Achondrogenesis Type 1B. Identifiers: Orphanet 932, Orphanet 93298, MedGen C0265274, MONDO:0010966, OMIM 600972.
Atelosteogenesis type II (AO2). Also called: NEONATAL OSSEOUS DYSPLASIA I; Neonatal osseous dysplasia 1; SLC26A2-Related Atelosteogenesis. Identifiers: Orphanet 56304, MedGen C1850554, MONDO:0009727, OMIM 256050.

Allele frequency attached by ClinVar (database versions not stated): gnomAD exomes below 0.00001 and 0.00001; ExAC 0.00001.

Submissions (6):

Labcorp Genetics (formerly Invitae), Labcorp
Classification: Pathogenic for Atelosteogenesis type II; Multiple epiphyseal dysplasia type 4; Achondrogenesis, type IB; Diastrophic dysplasia. Last evaluated: 2024-02-29. Review status: criteria provided, single submitter. Criteria: Invitae Variant Classification Sherloc (09022015). Collection method: clinical testing. Allele origin: germline.
Comment: This sequence change creates a premature translational stop signal (p.Thr661Lysfs*7) in the SLC26A2 gene. While this is not anticipated to result in nonsense mediated decay, it is expected to disrupt the last 79 amino acid(s) of the SLC26A2 protein. This variant is present in population databases (rs762137330, gnomAD 0.0009%). This variant has not been reported in the literature in individuals affected with SLC26A2-related conditions. ClinVar contains an entry for this variant (Variation ID: 371722). This variant disrupts a region of the SLC26A2 protein in which other variant(s) (p.Asp673Leufs*2) have been determined to be pathogenic (Invitae). This suggests that this is a clinically significant region of the protein, and that variants that disrupt it are likely to be disease-causing. For these reasons, this variant has been classified as Pathogenic.

Baylor Genetics
Classification: Likely pathogenic for Achondrogenesis, type IB. Last evaluated: 2023-11-23. Review status: criteria provided, single submitter. Criteria: ACMG Guidelines, 2015. Collection method: clinical testing. Allele origin: unknown.

Counsyl
Classification: Likely pathogenic for Diastrophic dysplasia. Last evaluated: 2016-04-05. Review status: no assertion criteria provided. Collection method: clinical testing. Allele origin: unknown. Not counted in ClinVar's aggregate classification.

Counsyl
Classification: Likely pathogenic for Multiple epiphyseal dysplasia type 4. Last evaluated: 2016-04-05. Review status: no assertion criteria provided. Collection method: clinical testing. Allele origin: unknown. Not counted in ClinVar's aggregate classification.

Counsyl
Classification: Likely pathogenic for Atelosteogenesis type II. Last evaluated: 2016-04-05. Review status: no assertion criteria provided. Collection method: clinical testing. Allele origin: unknown. Not counted in ClinVar's aggregate classification.

Counsyl
Classification: Likely pathogenic for Achondrogenesis, type IB. Last evaluated: 2016-04-05. Review status: no assertion criteria provided. Collection method: clinical testing. Allele origin: unknown. Not counted in ClinVar's aggregate classification.

NM_000112.4(SLC26A2):c.1982del (p.Thr661fs)

Gene: SLC26A2 (solute carrier family 26 member 2; plus strand). Cytogenetic location: 5q32.
Variant type: Deletion.
Coding change: c.1982del on transcript NM_000112.4 (MANE Select); coding-DNA position 1982, one base deleted (C; older notation c.1982delC).
Protein change: p.Thr661fs; shifts the reading frame from threonine 661.
Molecular consequence: frameshift variant.
Genome position (GRCh38, 1-based): chr5:149,981,575, C deleted. VCF-style (leftmost placement, unchanged base first): chr5-149981574-AC-A. GRCh37 (hg19) VCF-style: chr5-149361137-AC-A.
Other names: c.1982delC (NM_000112.3); short protein forms T661fs.
Identifiers: ClinVar variation 371722 (VCV000371722.14), dbSNP rs762137330, ClinGen allele CA3505525.
Genomic context (GRCh38, chr5:149,981,574, plus strand): 5'-CATGATCCCTTGGAGCTGCATACTATAGTGATTGACTGCAGTGCAATTCAATTTTTAGAT[AC>A]AGCAGGGATCCACACACTGAAAGAAGTTCGCAGAGATTATGAAGCCATTGGAATCCAGGT-3'